The following is an entry in ClinVar:

ClinVar aggregate classification (germline): Uncertain significance. Review status: criteria provided, multiple submitters, no conflicts (2 of 4 stars). 2 submissions from 2 submitters: Uncertain significance (2). Last evaluated 2026-07-26.

Conditions:
Familial thoracic aortic aneurysm and aortic dissection (TAAD). Also called: Thoracic aortic aneurysms and dissections. Identifiers: Orphanet 91387, MedGen C4707243, MONDO:0019625.
Aortic aneurysm, familial thoracic 7 (AAT7). Also called: AORTIC DISSECTION, FAMILIAL, WITH OR WITHOUT AORTIC ANEURYSM. Identifiers: MedGen C3151077, MONDO:0013418, OMIM 613780.

Allele frequency attached by ClinVar (database versions not stated): gnomAD 0.00001.
gnomAD v4.1: 1 of 1,613,994 alleles (0.000062%); highest among the groups gnomAD compares: Non-Finnish European, 0.000085%; no homozygotes.

Submissions (2):

Ambry Genetics
Classification: Uncertain significance for Familial thoracic aortic aneurysm and aortic dissection. Last evaluated: 2026-07-26. Review status: criteria provided, single submitter. Criteria: Ambry Variant Classification Scheme 2023. Collection method: clinical testing. Allele origin: germline.
Comment: The p.S814G variant (also known as c.2440A>G), located in coding exon 14 of the MYLK gene, results from an A to G substitution at nucleotide position 2440. The serine at codon 814 is replaced by glycine, an amino acid with similar properties. This amino acid position is conserved. In addition, this alteration is predicted to be tolerated by in silico analysis. Based on the available evidence, the clinical significance of this variant remains unclear.

Labcorp Genetics (formerly Invitae), Labcorp
Classification: Uncertain significance for Aortic aneurysm, familial thoracic 7. Last evaluated: 2019-06-13. Review status: criteria provided, single submitter. Criteria: Invitae Variant Classification Sherloc (09022015). Collection method: clinical testing. Allele origin: germline.
Comment: In summary, the available evidence is currently insufficient to determine the role of this variant in disease. Therefore, it has been classified as a Variant of Uncertain Significance. Algorithms developed to predict the effect of missense changes on protein structure and function output the following: SIFT: "Tolerated"; PolyPhen-2: "Probably Damaging"; Align-GVGD: "Class C0". The glycine amino acid residue is found in multiple mammalian species, suggesting that this missense change does not adversely affect protein function. These predictions have not been confirmed by published functional studies and their clinical significance is uncertain. This variant has not been reported in the literature in individuals with MYLK-related conditions. This variant is not present in population databases (ExAC no frequency). This sequence change replaces serine with glycine at codon 814 of the MYLK protein (p.Ser814Gly). The serine residue is highly conserved and there is a small physicochemical difference between serine and glycine.

NM_053025.4(MYLK):c.2440A>G (p.Ser814Gly)

Gene: MYLK (myosin light chain kinase; minus strand). Cytogenetic location: 3q21.1.
Variant type: single nucleotide variant.
Coding change: c.2440A>G on transcript NM_053025.4 (MANE Select); coding-DNA position 2440, A replaced by G.
Protein change: p.Ser814Gly; replaces serine 814 with glycine.
Molecular consequence: missense variant.
Genome position (GRCh38, 1-based): chr3:123,701,460, T>C on the plus strand (A>G on the coding strand, the complement: MYLK is on the minus strand). VCF-style: chr3-123701460-T-C. GRCh37 (hg19) VCF-style: chr3-123420307-T-C.
Other names: c.1912A>G, p.Ser638Gly (NM_001321309.2); c.2233A>G, p.Ser745Gly (NM_053026.4, NM_053028.4); c.2440A>G, p.Ser814Gly (NM_053027.4); short protein forms S638G, S745G, S814G.
Identifiers: ClinVar variation 934387 (VCV000934387.10), dbSNP rs2061220448, ClinGen allele CA354232664.
Genomic context (GRCh38, chr3:123,701,460, plus strand): 5'-GGGCATGGCCTGGAGGGGCAGCTCCTGGGGGCACTCACCGTGGAAGGGCTCTGGCAGAGC[T>C]GTTCTGTAGCATCAGTGACACCTGGCAACTGCATTCGCCAACCCGGTTCCTGAAGAATTC-3'
Protein context (NP_444253.3, residues 804-824): SCQVSLMLQN[Ser814Gly]SARALPRGRE